The following is an entry in ClinVar:

ClinVar aggregate classification (germline): Likely pathogenic. Review status: reviewed by expert panel (3 of 4 stars). 2 submissions from 2 submitters: Likely pathogenic (1). 1 of the submissions does not count toward it. Last evaluated 2024-04-16.

Conditions:
Glanzmann thrombasthenia. Also called: PLATELET GLYCOPROTEIN IIb-IIIa DEFICIENCY; THROMBASTHENIA OF GLANZMANN AND NAEGELI; Glanzmann's thrombasthenia; Thrombasthenia. Identifiers: Orphanet 849, MedGen C0040015, MONDO:0100326.
Glanzmann thrombasthenia 1 (GT1). Also called: BLEEDING DISORDER, PLATELET-TYPE, 2; GP IIb-IIIa COMPLEX DEFICIENCY; GLYCOPROTEIN COMPLEX IIb-IIIa DEFICIENCY; PLATELET FIBRINOGEN RECEPTOR DEFICIENCY. Identifiers: MedGen CN300358, MONDO:0031332, OMIM 273800.

Submissions (2):

ClinGen Platelet Disorders Variant Curation Expert Panel, ClinGen
Classification: Likely pathogenic for Glanzmann thrombasthenia. Last evaluated: 2024-04-16. Review status: reviewed by expert panel. Criteria: ClinGen Platelet ACMG Specifications v2-1. Collection method: curation. Allele origin: germline. Inheritance: Autosomal recessive inheritance.
Comment: The c.2174del (p.Lys725ArgfsTer6) variant in exon 21 is a frameshift variant predicted to cause a premature stop codon in biologically-relevant-exon 22 and is predicted to lead to nonsense mediated decay in a gene in which loss-of-function is an established disease mechanism (PVS1). This variant is absent from gnomAD v4.0.0 (PM2_Supporting). This variant is reported in one Glanzmann thrombasthenia patient in ClinVar (ISTH-SSC Genomics in Thrombosis and Hemostasis, KU Leuven, Center for Molecular and Vascular Biology). However, the phenotypic detail of this patient is not enough to apply PP4 by the PD VCEP. The patient is compound heterozygous with the Likely pathogenic variant NM_000419.5(ITGA2B):c.2169del (p.Met724Ter). No other cases of the variant segregating in GT patients were found in the literature. In summary, this variant meets the criteria to be classified as Likely Pathogenic for autosomal recessive Glanzmann Thrombasthenia based on the ACMG/AMP criteria applied, as specified by the ClinGen PD VCEP: PVS1, PM2_Supporting (VCEP specifications version 2; date of approval 04/16/2024).

ISTH-SSC Genomics in Thrombosis and Hemostasis, KU Leuven, Center for Molecular and Vascular Biology
Classification: Pathogenic for Glanzmann thrombasthenia 1. Review status: no assertion criteria provided. Collection method: research. Allele origin: unknown. Affected: yes. Not counted in ClinVar's aggregate classification.
Comment: Submitted to GoldVariant by Dr Karyn Mégy from NIHR Bioresource - Cambridge University, UK

NM_000419.5(ITGA2B):c.2174del (p.Lys725fs)

Gene: ITGA2B (integrin subunit alpha 2b; minus strand). Cytogenetic location: 17q21.31.
Variant type: Deletion.
Coding change: c.2174del on transcript NM_000419.5 (MANE Select); coding-DNA position 2174, one base deleted (A; older notation c.2174delA).
Protein change: p.Lys725fs; shifts the reading frame from lysine 725.
Molecular consequence: frameshift variant.
Genome position (GRCh38, 1-based): chr17:44,377,711, T deleted on the plus strand (A on the coding strand, the reverse complement: ITGA2B is on the minus strand); the first of 2 consecutive T bases (chr17:44,377,711-44,377,712); deleting either gives the same sequence. VCF-style (leftmost placement, unchanged base first): chr17-44377710-CT-C. GRCh37 (hg19) VCF-style: chr17-42455078-CT-C.
Other names: NM_000419.5(ITGA2B):c.2174del; p.Lys725fs; short protein forms K725fs.
Identifiers: ClinVar variation 1684321 (VCV001684321.2), dbSNP rs2143447308, ClinGen allele CA2573153936.